The following is an entry in ClinVar:

ClinVar aggregate classification (germline): Uncertain significance (1 of 4 stars; one submission).

Submission:

Labcorp Genetics (formerly Invitae), Labcorp
Classification: Uncertain significance. Last evaluated: 2023-04-23. Review status: criteria provided, single submitter. Criteria: Invitae Variant Classification Sherloc (09022015). Collection method: clinical testing. Allele origin: germline.
Comment: In summary, the available evidence is currently insufficient to determine the role of this variant in disease. Therefore, it has been classified as a Variant of Uncertain Significance. Advanced modeling of protein sequence and biophysical properties (such as structural, functional, and spatial information, amino acid conservation, physicochemical variation, residue mobility, and thermodynamic stability) has been performed at Invitae for this missense variant, however the output from this modeling did not meet the statistical confidence thresholds required to predict the impact of this variant on ITPR1 protein function. This variant has not been reported in the literature in individuals affected with ITPR1-related conditions. This variant is not present in population databases (gnomAD no frequency). This sequence change replaces leucine, which is neutral and non-polar, with proline, which is neutral and non-polar, at codon 1710 of the ITPR1 protein (p.Leu1710Pro).

NM_001378452.1(ITPR1):c.5318T>C (p.Leu1773Pro)

Gene: ITPR1 (inositol 1,4,5-trisphosphate receptor type 1; plus strand). Cytogenetic location: 3p26.1.
Variant type: single nucleotide variant.
Coding change: c.5318T>C on transcript NM_001378452.1 (MANE Select); coding-DNA position 5318, T replaced by C.
Protein change: p.Leu1773Pro; replaces leucine 1773 with proline.
Molecular consequence: missense variant.
Genome position (GRCh38, 1-based): chr3:4,733,185, T>C. VCF-style: chr3-4733185-T-C. GRCh37 (hg19) VCF-style: chr3-4774869-T-C.
Other names: c.5174T>C, p.Leu1725Pro (NM_001099952.4); c.5273T>C, p.Leu1758Pro (NM_001168272.2); c.5129T>C, p.Leu1710Pro (NM_002222.7); short protein forms L1725P, L1710P, L1758P, L1773P.
Identifiers: ClinVar variation 2808129 (VCV002808129.3), dbSNP rs2469947433, ClinGen allele CA351638790.